The following is an entry in ClinVar:

ClinVar aggregate classification (germline): Uncertain significance (1 of 4 stars; one submission).

Conditions:
CCNQ-related disorder. Also called: CCNQ-related condition.

Submission:

PreventionGenetics, part of Exact Sciences
Classification: Uncertain significance for CCNQ-related condition. Last evaluated: 2025-06-23. Review status: criteria provided, single submitter. Criteria: ACMG Guidelines, 2015. Collection method: clinical testing. Allele origin: germline.
Comment: The CCNQ c.103A>T variant is predicted to result in the amino acid substitution p.Met35Leu. To our knowledge, this variant has not been reported in the literature. This variant is reported in 1 allele out of 88,641 alleles in gnomAD. At this time, the clinical significance of this variant is uncertain due to the absence of conclusive functional and genetic evidence.

NM_152274.5(CCNQ):c.103A>T (p.Met35Leu)

Genes: CCNQ (cyclin Q; minus strand), LOC130068825 (ATAC-STARR-seq lymphoblastoid silent region 21064; plus strand). Cytogenetic location: Xq28.
Variant type: single nucleotide variant.
Coding change: c.103A>T on transcript NM_152274.5 (MANE Select); coding-DNA position 103, A replaced by T.
Protein change: p.Met35Leu; replaces methionine 35 with leucine.
Molecular consequence: missense variant.
Genome position (GRCh38, 1-based): chrX:153,598,971, T>A on the plus strand (A>T on the coding strand, the complement: CCNQ is on the minus strand). VCF-style: chrX-153598971-T-A. GRCh37 (hg19) VCF-style: chrX-152864429-T-A.
Other names: c.103A>T, p.Met35Leu (NM_001130997.3); short protein forms M35L.
Identifiers: ClinVar variation 4987098 (VCV004987098.1).